The following is an entry in ClinVar:

NM_000426.4(LAMA2):c.2186G>C (p.Gly729Ala)

Gene: LAMA2 (laminin subunit alpha 2; plus strand). Cytogenetic location: 6q22.33.
Variant type: single nucleotide variant.
Coding change: c.2186G>C on transcript NM_000426.4 (MANE Select); coding-DNA position 2186, G replaced by C.
Protein change: p.Gly729Ala; replaces glycine 729 with alanine.
Molecular consequence: missense variant.
Genome position (GRCh38, 1-based): chr6:129,260,800, G>C. VCF-style: chr6-129260800-G-C. GRCh37 (hg19) VCF-style: chr6-129581945-G-C.
Other names: c.2186G>C, p.Gly729Ala (NM_001079823.2); short protein forms G729A.
Identifiers: ClinVar variation 1391765 (VCV001391765.5), dbSNP rs763338640, ClinGen allele CA365608660.

ClinVar aggregate classification (germline): Uncertain significance (1 of 4 stars; one submission).

Conditions:
LAMA2-related muscular dystrophy (LAMA2-RD). Also called: Laminin alpha 2-related dystrophy. Identifiers: MedGen C5679788, MONDO:0100228.

Allele frequency attached by ClinVar (database versions not stated): gnomAD 0.00002.
gnomAD v4.1: 5 of 1,605,974 alleles (0.00031%); highest among the groups gnomAD compares: African/African-American, 0.0027%; no homozygotes.

Submission:

Labcorp Genetics (formerly Invitae), Labcorp
Classification: Uncertain significance for LAMA2-related muscular dystrophy. Last evaluated: 2021-09-17. Review status: criteria provided, single submitter. Criteria: Invitae Variant Classification Sherloc (09022015). Collection method: clinical testing. Allele origin: germline.
Comment: This sequence change replaces glycine with alanine at codon 729 of the LAMA2 protein (p.Gly729Ala). The glycine residue is moderately conserved and there is a small physicochemical difference between glycine and alanine. This variant is not present in population databases (ExAC no frequency). This variant has not been reported in the literature in individuals affected with LAMA2-related conditions. Advanced modeling of protein sequence and biophysical properties (such as structural, functional, and spatial information, amino acid conservation, physicochemical variation, residue mobility, and thermodynamic stability) performed at Invitae indicates that this missense variant is not expected to disrupt LAMA2 protein function. In summary, the available evidence is currently insufficient to determine the role of this variant in disease. Therefore, it has been classified as a Variant of Uncertain Significance.